The following is an entry in ClinVar:

NM_025114.4(CEP290):c.2367+1G>T

Gene: CEP290 (centrosomal protein 290; minus strand). Cytogenetic location: 12q21.32.
Variant type: single nucleotide variant.
Coding change: c.2367+1G>T on transcript NM_025114.4 (MANE Select); the canonical splice donor site of the intron after coding-DNA position 2367, G replaced by T.
Molecular consequence: splice donor variant.
Genome position (GRCh38, 1-based): chr12:88,111,201, C>A on the plus strand (G>T on the coding strand, the complement: CEP290 is on the minus strand). VCF-style: chr12-88111201-C-A. GRCh37 (hg19) VCF-style: chr12-88504978-C-A.
Identifiers: ClinVar variation 5004781 (VCV005004781.1).

ClinVar aggregate classification (germline): Likely pathogenic (1 of 4 stars; one submission).

Conditions:
CEP290-related ciliopathy. Also called: CEP290 ciliopathy. Identifiers: MedGen CN305601, MONDO:0100451.

Submission:

Myriad Genetics, Inc.
Classification: Likely pathogenic for CEP290-related ciliopathy. Last evaluated: 2026-07-13. Review status: criteria provided, single submitter. Criteria: Myriad Autosomal Dominant, Autosomal Recessive and X-Linked Classification Criteria (2023). Collection method: clinical testing. Allele origin: unknown.
Comment: NM_025114.3(CEP290):c.2367+1G>T is a variant in a canonical splice site classified as likely pathogenic in the context of CEP290-related disorders. c.2367+1G>T has been observed in a case with relevant disease (PMID: 21866095). Relevant functional assessments of this variant are not available in the literature. c.2367+1G>T has not been observed in referenced population frequency databases. In summary, NM_025114.3(CEP290):c.2367+1G>T is a variant in a canonical splice site in a gene where loss of function is a known mechanism of disease, is predicted to disrupt protein function, and has been observed more frequently in cases with the relevant disease than in healthy populations. Please note: this variant was assessed in the context of healthy population screening.

Literature cited by the submitters: PubMed 21866095.